The following is an entry in ClinVar:

ClinVar aggregate classification (germline): Uncertain significance (1 of 4 stars; one submission).

Conditions:
Fanconi anemia (FA). Also called: Fanconi's anemia. Identifiers: Orphanet 84, MedGen C0015625, MeSH D005199, MONDO:0019391.

Allele frequency attached by ClinVar (database versions not stated): gnomAD exomes below 0.00001.

Submission:

Labcorp Genetics (formerly Invitae), Labcorp
Classification: Uncertain significance for Fanconi anemia. Last evaluated: 2025-10-02. Review status: criteria provided, single submitter. Criteria: Invitae Variant Classification Sherloc (09022015). Collection method: clinical testing. Allele origin: germline.
Comment: This sequence change replaces methionine, which is neutral and non-polar, with isoleucine, which is neutral and non-polar, at codon 120 of the FANCB protein (p.Met120Ile). This variant is not present in population databases (gnomAD no frequency). This variant has not been reported in the literature in individuals affected with FANCB-related conditions. ClinVar contains an entry for this variant (Variation ID: 2799074). Invitae Evidence Modeling of protein sequence and biophysical properties (such as structural, functional, and spatial information, amino acid conservation, physicochemical variation, residue mobility, and thermodynamic stability) indicates that this missense variant is not expected to disrupt FANCB protein function with a negative predictive value of 80%. In summary, the available evidence is currently insufficient to determine the role of this variant in disease. Therefore, it has been classified as a Variant of Uncertain Significance.

NM_001018113.3(FANCB):c.360G>A (p.Met120Ile)

Gene: FANCB (FA complementation group B; minus strand). Cytogenetic location: Xp22.2.
Variant type: single nucleotide variant.
Coding change: c.360G>A on transcript NM_001018113.3 (MANE Select); coding-DNA position 360, G replaced by A.
Protein change: p.Met120Ile; replaces methionine 120 with isoleucine.
Molecular consequence: missense variant.
Genome position (GRCh38, 1-based): chrX:14,865,151, C>T on the plus strand (G>A on the coding strand, the complement: FANCB is on the minus strand). VCF-style: chrX-14865151-C-T. GRCh37 (hg19) VCF-style: chrX-14883273-C-T.
Other names: c.360G>A, p.Met120Ile (NM_001324162.2, NM_001410764.1, NM_152633.4); short protein forms M120I.
Identifiers: ClinVar variation 2799074 (VCV002799074.3), dbSNP rs2519012248, ClinGen allele CA412444680.